The following is an entry in ClinVar:

ClinVar aggregate classification (germline): Uncertain significance (1 of 4 stars; one submission).

Submission:

Dasa
Classification: Uncertain significance. Last evaluated: 2025-09-17. Review status: criteria provided, single submitter. Criteria: DASA Assertion Criteria. Collection method: clinical testing. Allele origin: germline.
Comment: NM_006767.4(LZTR1):c.2176T>A (p.Tyr726Asn) is a missense variant that results in the substitution of tyrosine with asparagine. This variant is absent from population databases. Computational prediction algorithms are consistent with a deleterious effect. The currently available literature and clinical evidence are not sufficient to establish a definitive association between this variant and the reported condition. Therefore, this variant is classified as a variant of uncertain significance.

NM_006767.4(LZTR1):c.2176T>A (p.Tyr726Asn)

Gene: LZTR1 (leucine zipper like post translational regulator 1; plus strand). Cytogenetic location: 22q11.21.
Variant type: single nucleotide variant.
Coding change: c.2176T>A on transcript NM_006767.4 (MANE Select); coding-DNA position 2176, T replaced by A.
Protein change: p.Tyr726Asn; replaces tyrosine 726 with asparagine.
Molecular consequence: missense variant.
Genome position (GRCh38, 1-based): chr22:20,996,069, T>A. VCF-style: chr22-20996069-T-A. GRCh37 (hg19) VCF-style: chr22-21350358-T-A.
Other names: short protein forms Y726N.
Identifiers: ClinVar variation 4883834 (VCV004883834.2).